The following is an entry in ClinVar:

ClinVar aggregate classification (germline): Uncertain significance (1 of 4 stars; one submission).

Conditions:
46,XY sex reversal 6. Also called: 46,XY GONADAL DYSGENESIS, PARTIAL OR COMPLETE, MAP3K1-RELATED; 46,XY SEX REVERSAL, PARTIAL OR COMPLETE, MAP3K1-RELATED. Identifiers: MedGen C3151064, MONDO:0013410, OMIM 613762.

Submission:

Labcorp Genetics (formerly Invitae), Labcorp
Classification: Uncertain significance for 46,XY sex reversal 6. Last evaluated: 2022-11-22. Review status: criteria provided, single submitter. Criteria: Invitae Variant Classification Sherloc (09022015). Collection method: clinical testing. Allele origin: germline.
Comment: This sequence change replaces glutamic acid, which is acidic and polar, with aspartic acid, which is acidic and polar, at codon 46 of the MAP3K1 protein (p.Glu46Asp). This variant is not present in population databases (gnomAD no frequency). In summary, the available evidence is currently insufficient to determine the role of this variant in disease. Therefore, it has been classified as a Variant of Uncertain Significance. Advanced modeling of protein sequence and biophysical properties (such as structural, functional, and spatial information, amino acid conservation, physicochemical variation, residue mobility, and thermodynamic stability) performed at Invitae indicates that this missense variant is not expected to disrupt MAP3K1 protein function. This variant has not been reported in the literature in individuals affected with MAP3K1-related conditions.

NM_005921.2(MAP3K1):c.138G>T (p.Glu46Asp)

Genes: MAP3K1 (mitogen-activated protein kinase kinase kinase 1; plus strand), LOC129993918 (ATAC-STARR-seq lymphoblastoid silent region 16021; plus strand). Cytogenetic location: 5q11.2.
Variant type: single nucleotide variant.
Coding change: c.138G>T on transcript NM_005921.2 (MANE Select); coding-DNA position 138, G replaced by T.
Protein change: p.Glu46Asp; replaces glutamic acid 46 with aspartic acid.
Molecular consequence: missense variant.
Genome position (GRCh38, 1-based): chr5:56,815,711, G>T. VCF-style: chr5-56815711-G-T. GRCh37 (hg19) VCF-style: chr5-56111538-G-T.
Other names: short protein forms E46D.
Identifiers: ClinVar variation 1720193 (VCV001720193.6), dbSNP rs1051867310, ClinGen allele CA359801250.